The following is an entry in ClinVar:

ClinVar aggregate classification (germline): Conflicting classifications of pathogenicity. Review status: criteria provided, conflicting classifications (1 of 4 stars). 2 submissions from 2 submitters: Uncertain significance (1); Likely benign (1). Last evaluated 2026-01-06.

Conditions:
Hereditary cancer-predisposing syndrome. Also called: Hereditary Cancer Syndrome; Tumor predisposition; Neoplastic Syndromes, Hereditary; Hereditary neoplastic syndrome. Identifiers: Orphanet 140162, MedGen C0027672, MeSH D009386, MONDO:0015356.

gnomAD v4.1: 17 of 1,614,048 alleles (0.0011%); highest among the groups gnomAD compares: Non-Finnish European, 0.0014%; no homozygotes.

Submissions (2):

Labcorp Genetics (formerly Invitae), Labcorp
Classification: Likely benign. Last evaluated: 2026-01-06. Review status: criteria provided, single submitter. Criteria: Invitae Variant Classification Sherloc (09022015). Collection method: clinical testing. Allele origin: germline.

Ambry Genetics
Classification: Uncertain significance for Hereditary cancer-predisposing syndrome. Last evaluated: 2025-02-14. Review status: criteria provided, single submitter. Criteria: Ambry Variant Classification Scheme 2023. Collection method: clinical testing. Allele origin: germline.
Comment: The c.3331C>A variant (also known as p.R1111R), located in coding exon 27 of the POLE gene, results from a C to A substitution at nucleotide position 3331. This nucleotide substitution does not change the amino acid at codon 1111. This nucleotide position is highly conserved in available vertebrate species. In silico splice site analysis for this alteration is inconclusive. RNA studies have demonstrated that this alteration does not result in abnormal splicing in the set of samples tested (Ambry internal data). Based on the supporting evidence, the association of this alteration with POLE-related polymerase proofreading-associated polyposis (PPAP) and POLE-related CMMRD-like syndrome is unknown; however, the association of this alteration with POLE deficiency is unlikely.

NM_006231.4(POLE):c.3331C>A (p.Arg1111=)

Gene: POLE (DNA polymerase epsilon, catalytic subunit; minus strand). Cytogenetic location: 12q24.33.
Variant type: single nucleotide variant.
Coding change: c.3331C>A on transcript NM_006231.4 (MANE Select); coding-DNA position 3331, C replaced by A.
Protein change: p.Arg1111=; no amino-acid change (arginine 1111 retained).
Molecular consequence: synonymous variant.
Genome position (GRCh38, 1-based): chr12:132,657,915, G>T on the plus strand (C>A on the coding strand, the complement: POLE is on the minus strand). VCF-style: chr12-132657915-G-T. GRCh37 (hg19) VCF-style: chr12-133234501-G-T.
Other names: c.3331C>A (NM_006231.2).
Identifiers: ClinVar variation 703205 (VCV000703205.13), dbSNP rs774028311, ClinGen allele CA482732733.